The following is an entry in ClinVar:

NM_198253.3(TERT):c.1154G>A (p.Arg385His)

Gene: TERT (telomerase reverse transcriptase; minus strand). Cytogenetic location: 5p15.33.
Variant type: single nucleotide variant.
Coding change: c.1154G>A on transcript NM_198253.3 (MANE Select); coding-DNA position 1154, G replaced by A.
Protein change: p.Arg385His; replaces arginine 385 with histidine.
Molecular consequence: missense variant. On other transcripts: non-coding transcript variant (2).
Genome position (GRCh38, 1-based): chr5:1,293,732, C>T on the plus strand (G>A on the coding strand, the complement: TERT is on the minus strand). VCF-style: chr5-1293732-C-T. GRCh37 (hg19) VCF-style: chr5-1293847-C-T.
Other names: c.1154G>A, p.Arg385His (NM_001193376.3, NM_003219.1); short protein forms R385H.
Identifiers: ClinVar variation 1734955 (VCV001734955.2), dbSNP rs867698678, ClinGen allele CA359086717.

ClinVar aggregate classification (germline): Uncertain significance (1 of 4 stars; one submission).

Conditions:
Dyskeratosis congenita. Identifiers: Orphanet 1775, MedGen C0265965, MONDO:0015780.

Submission:

Ambry Genetics
Classification: Uncertain significance for Dyskeratosis congenita. Last evaluated: 2022-06-28. Review status: criteria provided, single submitter. Criteria: Ambry Variant Classification Scheme 2023. Collection method: clinical testing. Allele origin: germline.
Comment: The p.R385H variant (also known as c.1154G>A), located in coding exon 2 of the TERT gene, results from a G to A substitution at nucleotide position 1154. The arginine at codon 385 is replaced by histidine, an amino acid with highly similar properties. This amino acid position is conserved. In addition, this alteration is predicted to be deleterious by in silico analysis. Since supporting evidence is limited at this time, the clinical significance of this alteration remains unclear.